The following is an entry in ClinVar:

ClinVar aggregate classification (germline): Likely benign. Review status: criteria provided, single submitter (1 of 4 stars). 2 submissions from 2 submitters: Likely benign (1). 1 of the submissions does not count toward it. Last evaluated 2024-08-14.

Conditions:
PDE10A-related disorder. Also called: PDE10A-related condition.

Allele frequency attached by ClinVar (database versions not stated): gnomAD 0.00019 and 0.00017; gnomAD exomes 0.00002; ExAC 0.00003; TOPMed 0.00019.
gnomAD v4.1: 31 of 1,586,066 alleles (0.002%); highest among the groups gnomAD compares: African/African-American, 0.042%; no homozygotes.

Submissions (2):

Labcorp Genetics (formerly Invitae), Labcorp
Classification: Likely benign. Last evaluated: 2024-08-14. Review status: criteria provided, single submitter. Criteria: Invitae Variant Classification Sherloc (09022015). Collection method: clinical testing. Allele origin: germline.

PreventionGenetics, part of Exact Sciences
Classification: Likely benign for PDE10A-related condition. Last evaluated: 2019-12-26. Review status: no assertion criteria provided. Collection method: clinical testing. Allele origin: germline. Not counted in ClinVar's aggregate classification.
Comment: This variant is classified as likely benign based on ACMG/AMP sequence variant interpretation guidelines (Richards et al. 2015 PMID: 25741868, with internal and published modifications).

NM_001385079.1(PDE10A):c.1194+9C>T

Gene: PDE10A (phosphodiesterase 10A; minus strand). Cytogenetic location: 6q27.
Variant type: single nucleotide variant.
Coding change: c.1194+9C>T on transcript NM_001385079.1 (MANE Select); 9 bases into the intron after coding-DNA position 1194, C replaced by T.
Molecular consequence: intron variant.
Genome position (GRCh38, 1-based): chr6:165,448,919, G>A on the plus strand (C>T on the coding strand, the complement: PDE10A is on the minus strand). VCF-style: chr6-165448919-G-A. GRCh37 (hg19) VCF-style: chr6-165862407-G-A.
Other names: c.396+9C>T (NM_001130690.3); c.366+9C>T (NM_006661.4).
Identifiers: ClinVar variation 735881 (VCV000735881.9), dbSNP rs761017460, ClinGen allele CA4092491.
Genomic context (GRCh38, chr6:165,448,919, plus strand): 5'-ATAACTTTTTTAAAGGAGCTTATGATATTTTCTTATCTAGAGCACCAAAATCTAAATTTA[G>A]ATACTTACATTATTGCACTCTCCAAGGAAATACAGTGCAAATCCATCGGCTTTTGTGGCT-3'